The following is an entry in ClinVar:

NM_007078.3(LDB3):c.1382A>C (p.Tyr461Ser)

Gene: LDB3 (LIM domain binding 3; plus strand). Cytogenetic location: 10q23.2.
Variant type: single nucleotide variant.
Coding change: c.1382A>C on transcript NM_007078.3 (MANE Select); coding-DNA position 1382, A replaced by C.
Protein change: p.Tyr461Ser; replaces tyrosine 461 with serine.
Molecular consequence: missense variant.
Genome position (GRCh38, 1-based): chr10:86,716,477, A>C. VCF-style: chr10-86716477-A-C. GRCh37 (hg19) VCF-style: chr10-88476234-A-C.
Other names: c.1052A>C, p.Tyr351Ser (NM_001080114.2); c.1397A>C, p.Tyr466Ser (NM_001171610.2); c.1193A>C, p.Tyr398Ser (NM_001368064.1, NM_001368065.1); c.1241A>C, p.Tyr414Ser (NM_001368066.1); short protein forms Y351S, Y398S, Y414S, Y461S, Y466S.
Identifiers: ClinVar variation 993394 (VCV000993394.18), dbSNP rs774224466, ClinGen allele CA5585148.
Genomic context (GRCh38, chr10:86,716,477, plus strand): 5'-CTGCCCCTGCCTACACCCCCTCACCTGTCCCCACCTACACTCCATCCCCAGCACCAGCCT[A>C]TACCCCCTCACCTGCCCCCAACTATAACCCTGCACCCTCGGTGGCCTACAGCGGGGGCCC-3'
Protein context (NP_009009.1, residues 451-471): PTYTPSPAPA[Tyr461Ser]TPSPAPNYNP

ClinVar aggregate classification (germline): Conflicting classifications of pathogenicity. Review status: criteria provided, conflicting classifications (1 of 4 stars). 4 submissions from 4 submitters: Uncertain significance (3); Likely benign (1). Last evaluated 2025-01-29.

Conditions:
Cardiovascular phenotype. Identifiers: MedGen CN230736.
Myofibrillar myopathy 4. Also called: Zaspopathy (type). Identifiers: Orphanet 98912, MedGen C4721886, MONDO:0012277, OMIM 609452.

Allele frequency attached by ClinVar (database versions not stated): ExAC 0.00002; gnomAD 0.00002; gnomAD exomes 0.00003.
gnomAD v4.1: 17 of 1,541,734 alleles (0.0011%); highest among the groups gnomAD compares: Admixed American, 0.014%; no homozygotes.

Submissions (4):

Ambry Genetics
Classification: Likely benign for Cardiovascular phenotype. Last evaluated: 2025-01-29. Review status: criteria provided, single submitter. Criteria: Ambry Variant Classification Scheme 2023. Collection method: clinical testing. Allele origin: germline.

Women's Health and Genetics/Laboratory Corporation of America, LabCorp
Classification: Uncertain significance. Last evaluated: 2025-01-27. Review status: criteria provided, single submitter. Criteria: LabCorp Variant Classification Summary - May 2015. Collection method: clinical testing. Allele origin: germline.
Comment: Variant summary: LDB3 c.1382A>C (p.Tyr461Ser), also known as p.Tyr468Ser results in a non-conservative amino acid change in the encoded protein sequence. Four of five in-silico tools predict a benign effect of the variant on protein function. The variant allele was found at a frequency of 2.8e-05 in 210866 control chromosomes. The available data on variant occurrences in the general population are insufficient to allow any conclusion about variant significance. c.1382A>C has been reported in the literature in individuals affected with Hypertrophic Cardiomyopathy (Theis_2006) without evidence for causality. These report(s) do not provide unequivocal conclusions about association of the variant with Hypertrophic Cardiomyopathy. To our knowledge, no experimental evidence demonstrating an impact on protein function has been reported. The following publication have been ascertained in the context of this evaluation (PMID: 17097056). ClinVar contains an entry for this variant (Variation ID: 993394). Based on the evidence outlined above, the variant was classified as uncertain significance.

Labcorp Genetics (formerly Invitae), Labcorp
Classification: Uncertain significance for Myofibrillar myopathy 4. Last evaluated: 2024-12-30. Review status: criteria provided, single submitter. Criteria: Invitae Variant Classification Sherloc (09022015). Collection method: clinical testing. Allele origin: germline.
Comment: The LDB3 gene has multiple clinically relevant transcripts. This variant occurs in alternate transcript NM_007078.3, and corresponds to NM_001080116.1:c.*17103A>C in the primary transcript. This sequence change replaces tyrosine, which is neutral and polar, with serine, which is neutral and polar, at codon 461 of the LDB3 protein (p.Tyr461Ser). This variant is present in population databases (rs774224466, gnomAD 0.02%). This missense change has been observed in individual(s) with hypertrophic cardiomyopathy (PMID: 17097056). This variant is also known as Y468S. Experimental studies and prediction algorithms are not available or were not evaluated, and the functional significance of this variant is currently unknown. In summary, the available evidence is currently insufficient to determine the role of this variant in disease. Therefore, it has been classified as a Variant of Uncertain Significance.

ARUP Laboratories, Molecular Genetics and Genomics, ARUP Laboratories
Classification: Uncertain significance. Last evaluated: 2019-12-16. Review status: criteria provided, single submitter. Criteria: ARUP Molecular Germline Variant Investigation Process. Collection method: clinical testing. Allele origin: germline.
Comment: The c.1382A>C; p.Tyr461Ser variant (rs774224466) has been reported in one patient with hypertrophic cardiomyopathy, who also carried a frameshift mutation in the Z-disc gene CSRP3 (Thies 2006). This variant is found in the general population with an overall allele frequency of 0.003% (6/210,866 alleles) in the Genome Aggregation Database. The tyrosine at codon 461 is moderately conserved, and computational analyses (SIFT, PolyPhen-2) predict that this variant is tolerated. This variant is found in an alternate transcript of LDB3 that is not highly expressed in heart muscle (Genotype-Tissue Expression project), however the association with cardiomyopathy is unknown. Given the lack of clinical and functional data, the significance of the p.Tyr461Ser variant is uncertain at this time.

Literature cited by the submitters: PubMed 17097056 (cited by 3 submitters).